The following is an entry in ClinVar:

ClinVar aggregate classification (germline): Uncertain significance (1 of 4 stars; one submission).

Conditions:
Spinocerebellar ataxia type 6 (SCA6). Identifiers: Orphanet 98758, MedGen C0752124, MONDO:0008457, OMIM 183086.
Developmental and epileptic encephalopathy, 42 (DEE42A). Also called: DEVELOPMENTAL AND EPILEPTIC ENCEPHALOPATHY 42A; EPILEPTIC ENCEPHALOPATHY, EARLY INFANTILE, 42A; Epileptic encephalopathy, early infantile, 42. Identifiers: MedGen C4310716, MONDO:0014917, OMIM 617106.
Episodic ataxia type 2 (EA2). Also called: ATAXIA, EPISODIC, WITH NYSTAGMUS; ATAXIA, FAMILIAL PAROXYSMAL; CEREBELLAR ATAXIA, PAROXYSMAL, ACETAZOLAMIDE-RESPONSIVE; CEREBELLOPATHY, HEREDITARY PAROXYSMAL; EPISODIC ATAXIA, NYSTAGMUS-ASSOCIATED; ACETAZOLAMIDE-RESPONSIVE HEREDITARY PAROXYSMAL CEREBELLAR ATAXIA. Identifiers: Orphanet 97, MedGen C1720416, MONDO:0007163, OMIM 108500.
Migraine, familial hemiplegic, 1. Also called: MIGRAINE, FAMILIAL HEMIPLEGIC 1, WITH PROGRESSIVE CEREBELLAR ATAXIA. Identifiers: Orphanet 569, MedGen C1832884, MONDO:0020756, OMIM 141500, MONDO:0007714.

Submission:

Juno Genomics, Hangzhou Juno Genomics, Inc
Classification: Uncertain significance for Developmental and epileptic encephalopathy, 42; Episodic ataxia type 2; Migraine, familial hemiplegic, 1; Spinocerebellar ataxia type 6. Review status: criteria provided, single submitter. Criteria: ACMG Guidelines, 2015. Collection method: clinical testing. Allele origin: germline. Affected: yes.
Comment: Absent from controls (or at extremely low frequency if recessive) in Genome Aggregation Database, Exome Sequencing Project, 1000 Genomes Project, or Exome Aggregation Consortium.;Multiple lines of computational evidence support a deleterious effect on the gene or gene product (conservation, evolutionary, splicing impact, etc).

NM_001127222.2(CACNA1A):c.596T>G (p.Val199Gly)

Gene: CACNA1A (calcium voltage-gated channel subunit alpha1 A; minus strand). Cytogenetic location: 19p13.13.
Variant type: single nucleotide variant.
Coding change: c.596T>G on transcript NM_001127222.2 (MANE Select); coding-DNA position 596, T replaced by G.
Protein change: p.Val199Gly; replaces valine 199 with glycine.
Molecular consequence: missense variant.
Genome position (GRCh38, 1-based): chr19:13,371,723, A>C on the plus strand (T>G on the coding strand, the complement: CACNA1A is on the minus strand). VCF-style: chr19-13371723-A-C. GRCh37 (hg19) VCF-style: chr19-13482537-A-C.
Other names: c.596T>G, p.Val199Gly (NM_000068.4, NM_001127221.2, NM_001174080.2 and 1 more transcripts); short protein forms V199G.
Identifiers: ClinVar variation 3382322 (VCV003382322.2).